The following is an entry in ClinVar:

NM_000553.6(WRN):c.2093C>T (p.Pro698Leu)

Gene: WRN (WRN RecQ like helicase; plus strand). Cytogenetic location: 8p12.
Variant type: single nucleotide variant.
Coding change: c.2093C>T on transcript NM_000553.6 (MANE Select); coding-DNA position 2093, C replaced by T.
Protein change: p.Pro698Leu; replaces proline 698 with leucine.
Molecular consequence: missense variant.
Genome position (GRCh38, 1-based): chr8:31,111,619, C>T. VCF-style: chr8-31111619-C-T. GRCh37 (hg19) VCF-style: chr8-30969135-C-T.
Other names: short protein forms P698L.
Identifiers: ClinVar variation 3641646 (VCV003641646.2).

ClinVar aggregate classification (germline): Uncertain significance (1 of 4 stars; one submission).

Conditions:
Werner syndrome (WRN). Identifiers: Orphanet 902, MedGen C0043119, MONDO:0010196, OMIM 277700.

Submission:

Labcorp Genetics (formerly Invitae), Labcorp
Classification: Uncertain significance for Werner syndrome. Last evaluated: 2025-06-24. Review status: criteria provided, single submitter. Criteria: Invitae Variant Classification Sherloc (09022015). Collection method: clinical testing. Allele origin: germline.
Comment: This sequence change replaces proline, which is neutral and non-polar, with leucine, which is neutral and non-polar, at codon 698 of the WRN protein (p.Pro698Leu). This variant is not present in population databases (gnomAD no frequency). This variant has not been reported in the literature in individuals affected with WRN-related conditions. ClinVar contains an entry for this variant (Variation ID: 3641646). An algorithm developed to predict the effect of missense changes on protein structure and function (PolyPhen-2) suggests that this variant is likely to be disruptive. In summary, the available evidence is currently insufficient to determine the role of this variant in disease. Therefore, it has been classified as a Variant of Uncertain Significance.